The following is an entry in ClinVar:

ClinVar aggregate classification (germline): Uncertain significance (1 of 4 stars; one submission).

Conditions:
COL4A1-related disorder. Also called: COL4A1-related condition; COL4A1-related disorders. Identifiers: MedGen CN376119, MONDO:0800461.

Submission:

PreventionGenetics, part of Exact Sciences
Classification: Uncertain significance for COL4A1-related condition. Last evaluated: 2023-04-24. Review status: criteria provided, single submitter. Criteria: ACMG Guidelines, 2015. Collection method: clinical testing. Allele origin: germline.
Comment: The COL4A1 c.4565G>T variant is predicted to result in the amino acid substitution p.Trp1522Leu. To our knowledge, this variant has not been reported in the literature or in a large population database, indicating this variant is rare. At this time, the clinical significance of this variant is uncertain due to the absence of conclusive functional and genetic evidence.

NM_001845.6(COL4A1):c.4565G>T (p.Trp1522Leu)

Gene: COL4A1 (collagen type IV alpha 1 chain; minus strand). Cytogenetic location: 13q34.
Variant type: single nucleotide variant.
Coding change: c.4565G>T on transcript NM_001845.6 (MANE Select); coding-DNA position 4565, G replaced by T.
Protein change: p.Trp1522Leu; replaces tryptophan 1522 with leucine.
Molecular consequence: missense variant.
Genome position (GRCh38, 1-based): chr13:110,161,267, C>A on the plus strand (G>T on the coding strand, the complement: COL4A1 is on the minus strand). VCF-style: chr13-110161267-C-A. GRCh37 (hg19) VCF-style: chr13-110813614-C-A.
Other names: short protein forms W1522L.
Identifiers: ClinVar variation 2632938 (VCV002632938.1), dbSNP rs2501734987, ClinGen allele CA388657282.